The following is an entry in ClinVar:

NM_198578.4(LRRK2):c.2300G>T (p.Arg767Leu)

Gene: LRRK2 (leucine rich repeat kinase 2; plus strand). Cytogenetic location: 12q12.
Variant type: single nucleotide variant.
Coding change: c.2300G>T on transcript NM_198578.4 (MANE Select); coding-DNA position 2300, G replaced by T.
Protein change: p.Arg767Leu; replaces arginine 767 with leucine.
Molecular consequence: missense variant.
Genome position (GRCh38, 1-based): chr12:40,283,933, G>T. VCF-style: chr12-40283933-G-T. GRCh37 (hg19) VCF-style: chr12-40677735-G-T.
Other names: short protein forms R767L.
Identifiers: ClinVar variation 1789290 (VCV001789290.2), dbSNP rs200861727, ClinGen allele CA384406437.

ClinVar aggregate classification (germline): Uncertain significance (1 of 4 stars; one submission).

Conditions:
Inborn genetic diseases. Identifiers: MedGen C0950123, MeSH D030342.

Submission:

Ambry Genetics
Classification: Uncertain significance for Inborn genetic diseases. Last evaluated: 2021-08-27. Review status: criteria provided, single submitter. Criteria: Ambry Variant Classification Scheme 2023. Collection method: clinical testing. Allele origin: germline.
Comment: The p.R767L variant (also known as c.2300G>T), located in coding exon 19 of the LRRK2 gene, results from a G to T substitution at nucleotide position 2300. The arginine at codon 767 is replaced by leucine, an amino acid with dissimilar properties. This amino acid position is conserved. In addition, this alteration is predicted to be deleterious by in silico analysis. Since supporting evidence is limited at this time, the clinical significance of this alteration remains unclear.